The following is an entry in ClinVar:

ClinVar aggregate classification (germline): Uncertain significance (1 of 4 stars; one submission).

Allele frequency attached by ClinVar (database versions not stated): gnomAD exomes below 0.00001.
gnomAD v4.1: 1 of 1,611,390 alleles (0.000062%); no homozygotes.

Submission:

GeneDx
Classification: Uncertain significance. Last evaluated: 2022-10-20. Review status: criteria provided, single submitter. Criteria: GeneDx Variant Classification Process June 2021. Collection method: clinical testing. Allele origin: germline. Affected: yes.
Comment: In silico analysis supports that this missense variant does not alter protein structure/function; Has not been previously published as pathogenic or benign to our knowledge

NM_032228.6(FAR1):c.1537A>G (p.Met513Val)

Gene: FAR1 (fatty acyl-CoA reductase 1; plus strand). Cytogenetic location: 11p15.3.
Variant type: single nucleotide variant.
Coding change: c.1537A>G on transcript NM_032228.6 (MANE Select); coding-DNA position 1537, A replaced by G.
Protein change: p.Met513Val; replaces methionine 513 with valine.
Molecular consequence: missense variant.
Genome position (GRCh38, 1-based): chr11:13,728,763, A>G. VCF-style: chr11-13728763-A-G. GRCh37 (hg19) VCF-style: chr11-13750310-A-G.
Other names: short protein forms M513V.
Identifiers: ClinVar variation 2499852 (VCV002499852.1), dbSNP rs1242271843, ClinGen allele CA379859600.